The following is an entry in ClinVar:

ClinVar aggregate classification (germline): Likely pathogenic (1 of 4 stars; one submission).

Conditions:
Dilated cardiomyopathy 1G (CMD1G). Identifiers: Orphanet 154, MedGen C1858763, MONDO:0011400, OMIM 604145.
Autosomal recessive limb-girdle muscular dystrophy type 2J (LGMDR10). Also called: Limb-girdle muscular dystrophy, type 2J; MUSCULAR DYSTROPHY, LIMB-GIRDLE, AUTOSOMAL RECESSIVE 10. Identifiers: Orphanet 140922, MedGen C1837342, MONDO:0012127, OMIM 608807.

Submission:

Labcorp Genetics (formerly Invitae), Labcorp
Classification: Likely pathogenic for Dilated cardiomyopathy 1G; Autosomal recessive limb-girdle muscular dystrophy type 2J. Last evaluated: 2024-10-18. Review status: criteria provided, single submitter. Criteria: Invitae Variant Classification Sherloc (09022015). Collection method: clinical testing. Allele origin: germline.
Comment: This sequence change creates a premature translational stop signal (p.Gln4514*) in the TTN gene. While this is not anticipated to result in nonsense mediated decay, it is expected to create a truncated TTN protein. This variant is not present in population databases (gnomAD no frequency). This variant has not been reported in the literature in individuals affected with TTN-related conditions. This variant is located in the I band of TTN (PMID: 25589632). Truncating variants in this region have been reported in individuals affected with autosomal recessive centronuclear myopathy (PMID: 23975875, internal data). Truncating variants in this region have also been identified in individuals affected with autosomal dominant dilated cardiomyopathy and/or cardio-related conditions (PMID: 27869827, 32964742, internal data). In summary, the currently available evidence indicates that the variant is pathogenic, but additional data are needed to prove that conclusively. Therefore, this variant has been classified as Likely Pathogenic.

Literature cited by the submitters: PubMed 25589632; PubMed 23975875; PubMed 27869827; PubMed 32964742.

NM_001267550.2(TTN):c.13540C>T (p.Gln4514Ter)

Gene: TTN (titin; minus strand). Cytogenetic location: 2q31.2.
Variant type: single nucleotide variant.
Coding change: c.13540C>T on transcript NM_001267550.2 (MANE Select); coding-DNA position 13540, C replaced by T.
Protein change: p.Gln4514Ter; replaces glutamine 4514 with a stop codon.
Molecular consequence: nonsense. On other transcripts: intron variant (1).
Genome position (GRCh38, 1-based): chr2:178,739,693, G>A on the plus strand (C>T on the coding strand, the complement: TTN is on the minus strand). VCF-style: chr2-178739693-G-A. GRCh37 (hg19) VCF-style: chr2-179604420-G-A.
Other names: c.12589C>T, p.Gln4197Ter (NM_001256850.1); c.12451C>T, p.Gln4151Ter (NM_003319.4); c.12826C>T, p.Gln4276Ter (NM_133432.3); c.13027C>T, p.Gln4343Ter (NM_133437.4); c.10361-1333C>T (NM_133378.4); short protein forms Q4197*, Q4276*, Q4343*, Q4514*, Q4151*.
Identifiers: ClinVar variation 2951577 (VCV002951577.3), dbSNP rs2530617809, ClinGen allele CA349607490.